The following is an entry in ClinVar:

NC_000006.11:g.(66115261_66200486)_(66200601_66204555)dup

Gene: EYS (eyes shut homolog; minus strand). Cytogenetic location: 6q12.
Variant type: Duplication.
Identifiers: ClinVar variation 1704516 (VCV001704516.1).

ClinVar aggregate classification (germline): Uncertain significance (1 of 4 stars; one submission).

Submission:

Women's Health and Genetics/Laboratory Corporation of America, LabCorp
Classification: Uncertain significance. Last evaluated: 2022-07-19. Review status: criteria provided, single submitter. Criteria: LabCorp Variant Classification Summary - May 2015. Collection method: clinical testing. Allele origin: germline.
Comment: Variant summary: The variant identified by MLPA or other technology involves the duplication of exon 5 in the EYS gene. A presumed nomenclature of c.(748+1_749-1)_(862+1_863-1)dup has been designated for the purposes of this classification. It has been assumed that this is a tandem duplication in direct orientation (Richardson_GIM_2018, Newman_AJHG_2015). Although exact breakpoints of this duplication are not known, it is expected to result in an in-frame duplication in the EYS gene. The variant was absent in 21688 control chromosomes (gnomAD, Structural Variants dataset). The available data on variant occurrences in the general population are insufficient to allow any conclusion about variant significance. To our knowledge, no occurrence of c.(748+1_749-1)_(862+1_863-1)dup in individuals affected with Retinitis Pigmentosa and no experimental evidence demonstrating its impact on protein function have been reported. No clinical diagnostic laboratories have submitted clinical-significance assessments for this variant to ClinVar after 2014. Based on the evidence outlined above, the variant was classified as uncertain significance.